The following is an entry in ClinVar:

NM_004187.5(KDM5C):c.3850_3851del (p.Arg1284fs)

Gene: KDM5C (lysine demethylase 5C; minus strand). Cytogenetic location: Xp11.22.
Variant type: Microsatellite.
Coding change: c.3850_3851del on transcript NM_004187.5 (MANE Select); coding-DNA positions 3850 to 3851, 2 bases deleted (AG; older notation c.3850_3851delAG).
Protein change: p.Arg1284fs; shifts the reading frame from arginine 1284.
Molecular consequence: frameshift variant. On other transcripts: non-coding transcript variant (3).
Genome position (GRCh38, 1-based): chrX:53,194,326-53,194,327, CT deleted on the plus strand (AG on the coding strand, the reverse complement: KDM5C is on the minus strand); deleting any 2 consecutive bases within chrX:53,194,326-53,194,331 gives the same sequence; the c. name uses the placement nearest the transcript's 3' end. VCF-style (leftmost placement, unchanged base first): chrX-53194325-CCT-C. GRCh37 (hg19) VCF-style: chrX-53223507-CCT-C.
Other names: c.3649_3650del, p.Arg1217fs (NM_001146702.2); c.3847_3848del, p.Arg1283fs (NM_001282622.3, NM_001353979.2, NM_001353982.2); c.3850_3851del, p.Arg1284fs (NM_001353978.3, NM_001353981.2, NM_001353984.2); short protein forms R1217fs, R1284fs, R1283fs.
Identifiers: ClinVar variation 4729251 (VCV004729251.1).

ClinVar aggregate classification (germline): Pathogenic (1 of 4 stars; one submission).

Conditions:
Spastic paraplegia. Identifiers: MedGen C0037772, HP:0001258.

Submission:

Labcorp Genetics (formerly Invitae), Labcorp
Classification: Pathogenic for Spastic paraplegia. Last evaluated: 2025-10-22. Review status: criteria provided, single submitter. Criteria: Invitae Variant Classification Sherloc (09022015). Collection method: clinical testing. Allele origin: germline.
Comment: This sequence change creates a premature translational stop signal (p.Arg1284Glyfs*15) in the KDM5C gene. It is expected to result in an absent or disrupted protein product. Loss-of-function variants in KDM5C are known to be pathogenic (PMID: 15586325, 18697827). This variant is not present in population databases (gnomAD no frequency). This variant has not been reported in the literature in individuals affected with KDM5C-related conditions. For these reasons, this variant has been classified as Pathogenic.

Literature cited by the submitters: PubMed 15586325; PubMed 18697827.